The following is an entry in ClinVar:

ClinVar aggregate classification (germline): Benign/Likely benign. Review status: criteria provided, multiple submitters, no conflicts (2 of 4 stars). 3 submissions from 3 submitters: Benign (1); Likely benign (1). 1 of the submissions does not count toward it. Last evaluated 2026-01-20.

Conditions:
DMXL2-related disorder. Also called: DMXL2-related condition.

Allele frequency attached by ClinVar (database versions not stated): gnomAD 0.00036 and 0.00048; TOPMed 0.00084; ExAC 0.00110; gnomAD exomes 0.00114; 1000 Genomes Project 30x 0.00187; 1000 Genomes Project 0.00220.
gnomAD v4.1: 606 of 1,614,078 alleles (0.038%); highest among the groups gnomAD compares: East Asian, 1.2%; 11 homozygotes.

Submissions (3):

Labcorp Genetics (formerly Invitae), Labcorp
Classification: Benign. Last evaluated: 2026-01-20. Review status: criteria provided, single submitter. Criteria: Invitae Variant Classification Sherloc (09022015). Collection method: clinical testing. Allele origin: germline.

Blueprint Genetics
Classification: Likely benign. Last evaluated: 2024-10-16. Review status: criteria provided, single submitter. Criteria: ACMG Guidelines, 2015. Collection method: clinical testing. Allele origin: germline.

PreventionGenetics, part of Exact Sciences
Classification: Benign for DMXL2-related condition. Last evaluated: 2020-02-19. Review status: no assertion criteria provided. Collection method: clinical testing. Allele origin: germline. Not counted in ClinVar's aggregate classification.
Comment: This variant is classified as benign based on ACMG/AMP sequence variant interpretation guidelines (Richards et al. 2015 PMID: 25741868, with internal and published modifications).

NM_001378457.1(DMXL2):c.5340A>T (p.Gln1780His)

Gene: DMXL2 (Dmx like 2; minus strand). Cytogenetic location: 15q21.2.
Variant type: single nucleotide variant.
Coding change: c.5340A>T on transcript NM_001378457.1 (MANE Select); coding-DNA position 5340, A replaced by T.
Protein change: p.Gln1780His; replaces glutamine 1780 with histidine.
Molecular consequence: missense variant. On other transcripts: non-coding transcript variant (2).
Genome position (GRCh38, 1-based): chr15:51,486,215, T>A on the plus strand (A>T on the coding strand, the complement: DMXL2 is on the minus strand). VCF-style: chr15-51486215-T-A. GRCh37 (hg19) VCF-style: chr15-51778412-T-A.
Other names: c.5340A>T, p.Gln1780His (NM_001174116.3, NM_001378458.1, NM_001378459.1 and 4 more transcripts); c.3432A>T, p.Gln1144His (NM_001174117.3); c.3321A>T, p.Gln1107His (NM_001378460.1); c.5100A>T, p.Gln1700His (NM_001378464.1); short protein forms Q1144H, Q1780H, Q1107H, Q1700H.
Identifiers: ClinVar variation 719084 (VCV000719084.13), dbSNP rs78309240, ClinGen allele CA7561818.